The following is an entry in ClinVar:

ClinVar aggregate classification (germline): Pathogenic (1 of 4 stars; one submission).

Conditions:
Werner syndrome (WRN). Identifiers: Orphanet 902, MedGen C0043119, MONDO:0010196, OMIM 277700.

Submission:

Labcorp Genetics (formerly Invitae), Labcorp
Classification: Pathogenic for Werner syndrome. Last evaluated: 2022-05-26. Review status: criteria provided, single submitter. Criteria: Invitae Variant Classification Sherloc (09022015). Collection method: clinical testing. Allele origin: germline.
Comment: For these reasons, this variant has been classified as Pathogenic. ClinVar contains an entry for this variant (Variation ID: 644752). This variant has not been reported in the literature in individuals affected with WRN-related conditions. This variant is not present in population databases (gnomAD no frequency). This sequence change creates a premature translational stop signal (p.Thr172Argfs*6) in the WRN gene. It is expected to result in an absent or disrupted protein product. Loss-of-function variants in WRN are known to be pathogenic (PMID: 16673358).

Literature cited by the submitters: PubMed 16673358.

NM_000553.6(WRN):c.515_516del (p.Thr172fs)

Gene: WRN (WRN RecQ like helicase; plus strand). Cytogenetic location: 8p12.
Variant type: Microsatellite.
Coding change: c.515_516del on transcript NM_000553.6 (MANE Select); coding-DNA positions 515 to 516, 2 bases deleted (CA; older notation c.515_516delCA).
Protein change: p.Thr172fs; shifts the reading frame from threonine 172.
Molecular consequence: frameshift variant.
Genome position (GRCh38, 1-based): chr8:31,067,043-31,067,044, CA deleted; deleting any 2 consecutive bases within chr8:31,067,041-31,067,044 gives the same sequence; the c. name uses the placement nearest the transcript's 3' end. VCF-style (leftmost placement, unchanged base first): chr8-31067040-GCA-G. GRCh37 (hg19) VCF-style: chr8-30924556-GCA-G.
Other names: short protein forms T172fs.
Identifiers: ClinVar variation 644752 (VCV000644752.5), dbSNP rs1585411632, ClinGen allele CA915945633.